The following is an entry in ClinVar:

ClinVar aggregate classification (germline): Uncertain significance (1 of 4 stars; one submission).

Submission:

Labcorp Genetics (formerly Invitae), Labcorp
Classification: Uncertain significance. Last evaluated: 2024-08-30. Review status: criteria provided, single submitter. Criteria: Invitae Variant Classification Sherloc (09022015). Collection method: clinical testing. Allele origin: germline.
Comment: This sequence change replaces isoleucine, which is neutral and non-polar, with threonine, which is neutral and polar, at codon 447 of the FSCN2 protein (p.Ile447Thr). This variant is not present in population databases (gnomAD no frequency). This variant has not been reported in the literature in individuals affected with FSCN2-related conditions. An algorithm developed to predict the effect of missense changes on protein structure and function (PolyPhen-2) suggests that this variant is likely to be disruptive. In summary, the available evidence is currently insufficient to determine the role of this variant in disease. Therefore, it has been classified as a Variant of Uncertain Significance.

NM_012418.4(FSCN2):c.1268T>C (p.Ile423Thr)

Gene: FSCN2 (fascin actin-bundling protein 2, retinal; plus strand). Cytogenetic location: 17q25.3.
Variant type: single nucleotide variant.
Coding change: c.1268T>C on transcript NM_012418.4 (MANE Select); coding-DNA position 1268, T replaced by C.
Protein change: p.Ile423Thr; replaces isoleucine 423 with threonine.
Molecular consequence: missense variant.
Genome position (GRCh38, 1-based): chr17:81,536,784, T>C. VCF-style: chr17-81536784-T-C. GRCh37 (hg19) VCF-style: chr17-79503810-T-C.
Other names: c.1340T>C, p.Ile447Thr (NM_001077182.3); short protein forms I423T, I447T.
Identifiers: ClinVar variation 3689027 (VCV003689027.2).